The following is an entry in ClinVar:

NM_152309.3(PIK3AP1):c.1670-2A>T

Gene: PIK3AP1 (phosphoinositide-3-kinase adaptor protein 1; minus strand). Cytogenetic location: 10q24.1.
Variant type: single nucleotide variant.
Coding change: c.1670-2A>T on transcript NM_152309.3 (MANE Select); the canonical splice acceptor site of the intron before coding-DNA position 1670, A replaced by T.
Molecular consequence: splice acceptor variant.
Genome position (GRCh38, 1-based): chr10:96,623,539, T>A on the plus strand (A>T on the coding strand, the complement: PIK3AP1 is on the minus strand). VCF-style: chr10-96623539-T-A. GRCh37 (hg19) VCF-style: chr10-98383296-T-A.
Identifiers: ClinVar variation 970068 (VCV000970068.8), dbSNP rs1843115988, ClinGen allele CA377755691.

ClinVar aggregate classification (germline): Uncertain significance (1 of 4 stars; one submission).

Conditions:
Infantile spasms. Also called: Infantile spasm. Identifiers: MedGen C3887898, HP:0012469.

Submission:

Labcorp Genetics (formerly Invitae), Labcorp
Classification: Uncertain significance for Infantile spasms. Last evaluated: 2019-11-16. Review status: criteria provided, single submitter. Criteria: Invitae Variant Classification Sherloc (09022015). Collection method: clinical testing. Allele origin: germline.
Comment: Algorithms developed to predict the effect of sequence changes on RNA splicing suggest that this variant may disrupt the consensus splice site, but this prediction has not been confirmed by published transcriptional studies. In summary, the available evidence is currently insufficient to determine the role of this variant in disease. Therefore, it has been classified as a Variant of Uncertain Significance. The current clinical and genetic evidence is not sufficient to establish whether loss-of-function variants in PIK3AP1 cause disease. This variant has not been reported in the literature in individuals with PIK3AP1-related conditions. This variant is not present in population databases (ExAC no frequency). This sequence change affects an acceptor splice site in intron 10 of the PIK3AP1 gene. It is expected to disrupt RNA splicing and likely results in an absent or disrupted protein product.